The following is an entry in ClinVar:

ClinVar aggregate classification (germline): Uncertain significance (1 of 4 stars; one submission).

Submission:

Women's Health and Genetics/Laboratory Corporation of America, LabCorp
Classification: Uncertain significance. Last evaluated: 2025-01-29. Review status: criteria provided, single submitter. Criteria: LabCorp Variant Classification Summary - May 2015. Collection method: clinical testing. Allele origin: germline.
Comment: Variant summary: VWF c.6596G>T (p.Cys2199Phe) results in a non-conservative amino acid change located in the C8 (IPR014853) of the encoded protein sequence. Five of five in-silico tools predict a damaging effect of the variant on protein function. Consensus agreement among computation tools predict no significant impact on normal splicing. However, these predictions have yet to be confirmed by functional studies. The variant was absent in 247054 control chromosomes. The available data on variant occurrences in the general population are insufficient to allow any conclusion about variant significance. To our knowledge, no occurrence of c.6596G>T in individuals affected with Von Willebrand Disease and no experimental evidence demonstrating its impact on protein function have been reported. No submitters have cited clinical-significance assessments for this variant to ClinVar. Based on the evidence outlined above, the variant was classified as uncertain significance.

NM_000552.5(VWF):c.6596G>T (p.Cys2199Phe)

Gene: VWF (von Willebrand factor; minus strand). Cytogenetic location: 12p13.31.
Variant type: single nucleotide variant.
Coding change: c.6596G>T on transcript NM_000552.5 (MANE Select); coding-DNA position 6596, G replaced by T.
Protein change: p.Cys2199Phe; replaces cysteine 2199 with phenylalanine.
Molecular consequence: missense variant.
Genome position (GRCh38, 1-based): chr12:5,993,864, C>A on the plus strand (G>T on the coding strand, the complement: VWF is on the minus strand). VCF-style: chr12-5993864-C-A. GRCh37 (hg19) VCF-style: chr12-6103030-C-A.
Other names: short protein forms C2199F.
Identifiers: ClinVar variation 3769330 (VCV003769330.2).
Genomic context (GRCh38, chr12:5,993,864, plus strand): 5'-GCTGAGCAAGCCCAGTTAGCTGGTCTCCAGGATTTTCAGAGGTAACTTGGAGACTCACCA[C>A]AGAAATCAGGTGTCCTCCAGTCAACGCAGACCCCGTTGGTCCGACAGAGGTGGGCATAAG-3'
Protein context (NP_000543.3, residues 2189-2209): VCVDWRTPDF[Cys2199Phe]AMSCPPSLVY